The following is an entry in ClinVar:

ClinVar aggregate classification (germline): Likely benign (1 of 4 stars; one submission).

Allele frequency attached by ClinVar (database versions not stated): TOPMed 0.00012; gnomAD 0.00021; ESP Exome Variant Server 0.00023; ExAC 0.00082; 1000 Genomes Project 0.00140; 1000 Genomes Project 30x 0.00156.
gnomAD v4.1: 593 of 1,614,072 alleles (0.037%); highest among the groups gnomAD compares: South Asian, 0.51%; 4 homozygotes.

Submission:

CeGaT Center for Human Genetics Tuebingen
Classification: Likely benign. Last evaluated: 2024-06-01. Review status: criteria provided, single submitter. Criteria: CeGaT Center For Human Genetics Tuebingen Variant Classification Criteria Version 2. Collection method: clinical testing. Allele origin: germline. Affected: yes. Observed: 1 variant allele.
Comment: CPNE1: BP4, BP7, BS2

NM_152925.3(CPNE1):c.1527G>T (p.Leu509=)

Gene: CPNE1 (copine 1; minus strand). Cytogenetic location: 20q11.22.
Variant type: single nucleotide variant.
Coding change: c.1527G>T on transcript NM_152925.3 (MANE Select); coding-DNA position 1527, G replaced by T.
Protein change: p.Leu509=; no amino-acid change (leucine 509 retained).
Molecular consequence: synonymous variant. On other transcripts: non-coding transcript variant (1).
Genome position (GRCh38, 1-based): chr20:35,626,328, C>A on the plus strand (G>T on the coding strand, the complement: CPNE1 is on the minus strand). VCF-style: chr20-35626328-C-A. GRCh37 (hg19) VCF-style: chr20-34214250-C-A.
Other names: c.1524G>T, p.Leu508= (NM_001198863.2); c.1542G>T, p.Leu514= (NM_003915.6); c.1527G>T, p.Leu509= (NM_152926.3, NM_152927.3, NM_152928.3 and 1 more transcripts).
Identifiers: ClinVar variation 3250608 (VCV003250608.18), dbSNP rs140090014.